The following is an entry in ClinVar:

ClinVar aggregate classification (germline): Benign/Likely benign. Review status: criteria provided, multiple submitters, no conflicts (2 of 4 stars). 8 submissions from 8 submitters: Benign (6); Likely benign (2). Last evaluated 2026-05-01.

Conditions:
Immunoglobulin-mediated membranoproliferative glomerulonephritis. Also called: NEPHROTIC SYNDROME, TYPE 7, WITH MEMBRANOPROLIFERATIVE GLOMERULONEPHRITIS; Nephrotic syndrome, type 7. Identifiers: Orphanet 329903, MedGen C3554330, MONDO:0014005, OMIM 615008.
Mesangiocapillary glomerulonephritis. Also called: Membranoproliferative glomerulonephritis. Identifiers: MedGen C0017662, MONDO:0002461, HP:0000793.
Kidney disorder. Also called: renal disorder; Kidney disease; Kidney Diseases; Nephropathy; renal disease. Identifiers: MedGen C0022658, MONDO:0005240, HP:0000112.

Allele frequency attached by ClinVar (database versions not stated): gnomAD exomes 0.00118 and 0.00337; ExAC 0.00422; 1000 Genomes Project 0.01238; gnomAD 0.01306 and 0.01411; ESP Exome Variant Server 0.01323; 1000 Genomes Project 30x 0.01343; TOPMed 0.01490.
gnomAD v4.1: 3,744 of 1,612,018 alleles (0.23%); highest among the groups gnomAD compares: African/African-American, 4.4%; 70 homozygotes.

Submissions (8):

CeGaT Center for Human Genetics Tuebingen
Classification: Benign. Last evaluated: 2026-05-01. Review status: criteria provided, single submitter. Criteria: CeGaT Center For Human Genetics Tuebingen Variant Classification Criteria Version 2. Collection method: clinical testing. Allele origin: germline. Affected: yes. Observed: 2 variant alleles.
Comment: DGKE: BS1, BS2

Labcorp Genetics (formerly Invitae), Labcorp
Classification: Benign. Last evaluated: 2026-02-01. Review status: criteria provided, single submitter. Criteria: Invitae Variant Classification Sherloc (09022015). Collection method: clinical testing. Allele origin: germline.

Genomenon, Inc
Classification: Benign for Primary membranoproliferative glomerulonephritis. Last evaluated: 2025-09-26. Review status: criteria provided, single submitter. Criteria: Genomenon Sequence Variant Interpretation Standards - Updated. Collection method: curation. Allele origin: germline. Affected: no.
Comment: DGKE p.Gly20Glu (c.59G>A) is a missense variant that changes the amino acid at residue 20 from Glycine to Glutamic acid. This variant has been reported in the published literature (PMID:29440240). This variant is present at high allele frequency in population databases. In conclusion, we classify DGKE p.Gly20Glu (c.59G>A) as a benign variant.

Blueprint Genetics
Classification: Likely benign. Last evaluated: 2024-10-31. Review status: criteria provided, single submitter. Criteria: ACMG Guidelines, 2015. Collection method: clinical testing. Allele origin: germline.

Mayo Clinic Laboratories, Mayo Clinic
Classification: Benign. Last evaluated: 2022-09-29. Review status: criteria provided, single submitter. Criteria: ACMG Guidelines, 2015. Collection method: clinical testing. Allele origin: germline. Observed: 79 variant alleles.
Comment: BA1, BP4

GeneDx
Classification: Benign. Last evaluated: 2020-04-14. Review status: criteria provided, single submitter. Criteria: GeneDx Variant Classification Process June 2021. Collection method: clinical testing. Allele origin: germline. Affected: yes.
Comment: This variant is associated with the following publications: (PMID: 29440240)

Genome Diagnostics Laboratory, The Hospital for Sick Children
Classification: Likely benign for Kidney disorder. Last evaluated: 2017-02-13. Review status: criteria provided, single submitter. Criteria: ACMG Guidelines, 2015. Collection method: clinical testing. Allele origin: germline.

Breakthrough Genomics
Classification: Benign. Review status: criteria provided, single submitter. Criteria: ACMG Guidelines, 2015. Collection method: not provided. Allele origin: germline. Inheritance: Autosomal recessive inheritance. Affected: yes.

Literature cited by the submitters: PubMed 29440240 (cited by Genomenon, Inc).

NM_003647.3(DGKE):c.59G>A (p.Gly20Glu)

Gene: DGKE (diacylglycerol kinase epsilon; plus strand). Cytogenetic location: 17q22.
Variant type: single nucleotide variant.
Coding change: c.59G>A on transcript NM_003647.3 (MANE Select); coding-DNA position 59, G replaced by A.
Protein change: p.Gly20Glu; replaces glycine 20 with glutamic acid.
Molecular consequence: missense variant.
Genome position (GRCh38, 1-based): chr17:56,834,854, G>A. VCF-style: chr17-56834854-G-A. GRCh37 (hg19) VCF-style: chr17-54912215-G-A.
Other names: p.Gly20Glu; short protein forms G20E.
Identifiers: ClinVar variation 783790 (VCV000783790.22), dbSNP rs73994915, ClinGen allele CA8663415.